The following is an entry in ClinVar:

NM_000836.4(GRIN2D):c.3972G>C (p.Arg1324Ser)

Gene: GRIN2D (glutamate ionotropic receptor NMDA type subunit 2D; plus strand). Cytogenetic location: 19q13.33.
Variant type: single nucleotide variant.
Coding change: c.3972G>C on transcript NM_000836.4 (MANE Select); coding-DNA position 3972, G replaced by C.
Protein change: p.Arg1324Ser; replaces arginine 1324 with serine.
Molecular consequence: missense variant.
Genome position (GRCh38, 1-based): chr19:48,443,898, G>C. VCF-style: chr19-48443898-G-C. GRCh37 (hg19) VCF-style: chr19-48947155-G-C.
Other names: short protein forms R1324S.
Identifiers: ClinVar variation 1474706 (VCV001474706.6), dbSNP rs937327397, ClinGen allele CA309299663.
Genomic context (GRCh38, chr19:48,443,898, plus strand): 5'-GCCGCCGCTGCCCACAGCTTCCCACCGGAGACACCGGGGCGGGGACCTGGGCACCCGCAG[G>C]GGCTCGGCGCACTTCTCTAGCCTCGAGTCCGAGGTATGACGCGGCCCCGGGGGCCCCACC-3'
Protein context (NP_000827.2, residues 1314-1334): RHRGGDLGTR[Arg1324Ser]GSAHFSSLES

ClinVar aggregate classification (germline): Uncertain significance (1 of 4 stars; one submission).

Allele frequency attached by ClinVar (database versions not stated): gnomAD 0.00001; TOPMed 0.00002.
gnomAD v4.1: 2 of 1,461,964 alleles (0.00014%); highest among the groups gnomAD compares: African/African-American, 0.0015%; no homozygotes.

Submission:

Labcorp Genetics (formerly Invitae), Labcorp
Classification: Uncertain significance. Last evaluated: 2023-04-17. Review status: criteria provided, single submitter. Criteria: Invitae Variant Classification Sherloc (09022015). Collection method: clinical testing. Allele origin: germline.
Comment: In summary, the available evidence is currently insufficient to determine the role of this variant in disease. Therefore, it has been classified as a Variant of Uncertain Significance. Advanced modeling of protein sequence and biophysical properties (such as structural, functional, and spatial information, amino acid conservation, physicochemical variation, residue mobility, and thermodynamic stability) performed at Invitae indicates that this missense variant is not expected to disrupt GRIN2D protein function. This sequence change replaces arginine, which is basic and polar, with serine, which is neutral and polar, at codon 1324 of the GRIN2D protein (p.Arg1324Ser). This variant is not present in population databases (gnomAD no frequency). This variant has not been reported in the literature in individuals affected with GRIN2D-related conditions. ClinVar contains an entry for this variant (Variation ID: 1474706).